The following is an entry in ClinVar:

NM_015215.4(CAMTA1):c.2944C>T (p.Arg982Ter)

Gene: CAMTA1 (calmodulin binding transcription activator 1; plus strand). Cytogenetic location: 1p36.23.
Variant type: single nucleotide variant.
Coding change: c.2944C>T on transcript NM_015215.4 (MANE Select); coding-DNA position 2944, C replaced by T.
Protein change: p.Arg982Ter; replaces arginine 982 with a stop codon.
Molecular consequence: nonsense.
Genome position (GRCh38, 1-based): chr1:7,732,477, C>T. VCF-style: chr1-7732477-C-T. GRCh37 (hg19) VCF-style: chr1-7792537-C-T.
Other names: c.2944C>T (NM_015215.3); c.2854C>T, p.Arg952Ter (NM_001349608.2, NM_001349612.2); c.2944C>T, p.Arg982Ter (NM_001349609.2, NM_001349610.2); c.73C>T, p.Arg25Ter (NM_001349613.1); c.16C>T, p.Arg6Ter (NM_001349614.1, NM_001349615.2, NM_001349616.2 and 10 more transcripts); short protein forms R25*, R6*, R952*, R982*.
Identifiers: ClinVar variation 1068627 (VCV001068627.8), dbSNP rs1395631005, ClinGen allele CA338142060.

ClinVar aggregate classification (germline): Pathogenic. Review status: criteria provided, multiple submitters, no conflicts (2 of 4 stars). 2 submissions from 2 submitters: Pathogenic (2). Last evaluated 2024-06-30.

Allele frequency attached by ClinVar (database versions not stated): gnomAD exomes below 0.00001.
gnomAD v4.1: 1 of 1,614,016 alleles (0.000062%); highest among the groups gnomAD compares: Non-Finnish European, 0.000085%; no homozygotes.

Submissions (2):

GeneDx
Classification: Pathogenic. Last evaluated: 2024-06-30. Review status: criteria provided, single submitter. Criteria: GeneDx Variant Classification Process June 2021. Collection method: clinical testing. Allele origin: germline. Affected: yes.
Comment: Nonsense variant predicted to result in protein truncation or nonsense mediated decay in a gene for which loss of function is a known mechanism of disease; Not observed at significant frequency in large population cohorts (gnomAD); Has not been previously published as pathogenic or benign to our knowledge; This variant is associated with the following publications: (PMID: 22693284)

Labcorp Genetics (formerly Invitae), Labcorp
Classification: Pathogenic. Last evaluated: 2024-05-11. Review status: criteria provided, single submitter. Criteria: Invitae Variant Classification Sherloc (09022015). Collection method: clinical testing. Allele origin: germline.
Comment: This sequence change creates a premature translational stop signal (p.Arg982*) in the CAMTA1 gene. It is expected to result in an absent or disrupted protein product. Loss-of-function variants in CAMTA1 are known to be pathogenic (PMID: 22693284). This variant is not present in population databases (gnomAD no frequency). This variant has not been reported in the literature in individuals affected with CAMTA1-related conditions. ClinVar contains an entry for this variant (Variation ID: 1068627). For these reasons, this variant has been classified as Pathogenic.

Literature cited by the submitters: PubMed 22693284 (cited by Labcorp Genetics (formerly Invitae), Labcorp).